The following is an entry in ClinVar:

ClinVar aggregate classification (germline): Benign/Likely benign. Review status: criteria provided, multiple submitters, no conflicts (2 of 4 stars). 12 submissions from 11 submitters: Benign (9); Likely benign (1). 2 of the submissions do not count toward it. Last evaluated 2026-02-04.

Conditions:
Factor XII deficiency disease. Also called: Reduced factor XII activity; Congenital factor XII deficiency; F12 DEFICIENCY; HAF DEFICIENCY. Identifiers: Orphanet 330, MedGen C0015526, MONDO:0009315, OMIM 234000, HP:0004841.
Hereditary angioedema type 3 (HAE3). Also called: ESTROGEN-RELATED HAE; ESTROGEN-SENSITIVE HAE; HAE WITH NORMAL C1 INHIBITOR CONCENTRATION AND FUNCTION; ANGIONEUROTIC EDEMA, HEREDITARY, WITH NORMAL C1 INHIBITOR CONCENTRATION AND FUNCTION. Identifiers: Orphanet 100054, MedGen C1857728, MONDO:0012526, OMIM 610618.

Allele frequency attached by ClinVar (database versions not stated): 1000 Genomes Project 0.93950; 1000 Genomes Project 30x 0.93973; TOPMed 0.95443; gnomAD 0.96486 and 0.96534; ESP Exome Variant Server 0.97690.

Submissions (12):

Labcorp Genetics (formerly Invitae), Labcorp
Classification: Benign. Last evaluated: 2026-02-04. Review status: criteria provided, single submitter. Criteria: Invitae Variant Classification Sherloc (09022015). Collection method: clinical testing. Allele origin: germline.

Blueprint Genetics
Classification: Likely benign. Last evaluated: 2024-11-26. Review status: criteria provided, single submitter. Criteria: ACMG Guidelines, 2015. Collection method: clinical testing. Allele origin: germline.

Mayo Clinic Laboratories, Mayo Clinic
Classification: Benign. Last evaluated: 2022-09-06. Review status: criteria provided, single submitter. Criteria: ACMG Guidelines, 2015. Collection method: clinical testing. Allele origin: germline. Observed: 198 variant alleles.

Genome-Nilou Lab
Classification: Benign for Hereditary angioedema type 3. Last evaluated: 2021-08-10. Review status: criteria provided, single submitter. Criteria: ACMG Guidelines, 2015. Collection method: clinical testing. Allele origin: germline. Affected: no.

GeneDx
Classification: Benign. Last evaluated: 2018-11-10. Review status: criteria provided, single submitter. Criteria: GeneDx Variant Classification Process June 2021. Collection method: clinical testing. Allele origin: germline. Affected: yes.

Illumina Laboratory Services, Illumina
Classification: Benign for Factor XII deficiency disease. Last evaluated: 2018-01-13. Review status: criteria provided, single submitter. Criteria: ICSL Variant Classification Criteria 13 December 2019. Collection method: clinical testing. Allele origin: germline.
Comment: This variant was observed in the ICSL laboratory as part of a predisposition screen in an ostensibly healthy population. It had not been previously curated by ICSL or reported in the Human Gene Mutation Database (HGMD: prior to June 1st, 2018), and was therefore a candidate for classification through an automated scoring system. Utilizing variant allele frequency, disease prevalence and penetrance estimates, and inheritance mode, an automated score was calculated to assess if this variant is too frequent to cause the disease. Based on the score and internal cut-off values, a variant classified as benign is not then subjected to further curation. The score for this variant resulted in a classification of benign for this disease.

Illumina Laboratory Services, Illumina
Classification: Benign for Hereditary angioedema type 3. Last evaluated: 2018-01-13. Review status: criteria provided, single submitter. Criteria: ICSL Variant Classification Criteria 13 December 2019. Collection method: clinical testing. Allele origin: germline.
Comment: the same text as in the submission from Illumina Laboratory Services, Illumina above.

Laboratory for Molecular Medicine, Mass General Brigham Personalized Medicine
Classification: Benign. Last evaluated: 2016-03-28. Review status: criteria provided, single submitter. Criteria: LMM Criteria. Collection method: clinical testing. Allele origin: germline.
Comment: Variant identified in a genome or exome case(s) and assessed due to predicted null impact of the variant or pathogenic assertions in the literature or databases. Disclaimer: This variant has not undergone full assessment. The following are preliminary notes: Frequency

CeMIA
Classification: Benign for Hereditary angioedema type 3. Review status: criteria provided, single submitter. Criteria: ACMG Guidelines, 2015. Collection method: clinical testing. Allele origin: germline. Affected: no.
Comment: This variant is considered likely benign or benign based on one or more of the following criteria: allele frequency is >5% in Exome Sequencing Project, 1000 Genomes Project, or Exome Aggregation Consortium (BA1), allele frequency is greater than expected for disorder (BS1), it is observed in a healthy adult individual (BS2), it is predicted to be benign by multiple in silico algorithms (BP4), it is found in a case with an alternate molecular basis for the disease (BP5) and/or reputable source recently reports variant as benign (BP6).

PreventionGenetics, part of Exact Sciences
Classification: Benign. Review status: criteria provided, single submitter. Criteria: ACMG Guidelines, 2015. Collection method: clinical testing. Allele origin: germline.

Diagnostic Laboratory, Department of Genetics, University Medical Center Groningen
Classification: Benign. Review status: no assertion criteria provided. Collection method: clinical testing. Allele origin: germline. Affected: yes. Study: VKGL Data-share Consensus. Not counted in ClinVar's aggregate classification.

Joint Genome Diagnostic Labs from Nijmegen and Maastricht, Radboudumc and MUMC+
Classification: Benign. Review status: no assertion criteria provided. Collection method: clinical testing. Allele origin: germline. Affected: yes. Study: VKGL Data-share Consensus. Not counted in ClinVar's aggregate classification.

NM_000505.4(F12):c.619G>C (p.Ala207Pro)

Gene: F12 (coagulation factor XII; minus strand). Cytogenetic location: 5q35.3.
Variant type: single nucleotide variant.
Coding change: c.619G>C on transcript NM_000505.4 (MANE Select); coding-DNA position 619, G replaced by C.
Protein change: p.Ala207Pro; replaces alanine 207 with proline.
Molecular consequence: missense variant.
Genome position (GRCh38, 1-based): chr5:177,404,825, C>G on the plus strand (G>C on the coding strand, the complement: F12 is on the minus strand). VCF-style: chr5-177404825-C-G. GRCh37 (hg19) VCF-style: chr5-176831826-C-G.
Other names: short protein forms A207P.
Identifiers: ClinVar variation 256310 (VCV000256310.28), dbSNP rs17876030, ClinGen allele CA3581437.